The following is an entry in ClinVar:

ClinVar aggregate classification (germline): Uncertain significance (1 of 4 stars; one submission).

Conditions:
Osteogenesis imperfecta type 8 (OI8). Identifiers: MedGen C1970458, MONDO:0012581, OMIM 610915.

Allele frequency attached by ClinVar (database versions not stated): gnomAD exomes below 0.00001.
gnomAD v4.1: 1 of 1,614,066 alleles (0.000062%); highest among the groups gnomAD compares: Non-Finnish European, 0.000085%; no homozygotes.

Submission:

Labcorp Genetics (formerly Invitae), Labcorp
Classification: Uncertain significance for Osteogenesis imperfecta type 8. Last evaluated: 2022-06-14. Review status: criteria provided, single submitter. Criteria: Invitae Variant Classification Sherloc (09022015). Collection method: clinical testing. Allele origin: germline.
Comment: In summary, the available evidence is currently insufficient to determine the role of this variant in disease. Therefore, it has been classified as a Variant of Uncertain Significance. Algorithms developed to predict the effect of sequence changes on RNA splicing suggest that this variant may disrupt the consensus splice site. This variant has not been reported in the literature in individuals affected with P3H1-related conditions. This variant is not present in population databases (gnomAD no frequency). This sequence change falls in intron 14 of the P3H1 gene. It does not directly change the encoded amino acid sequence of the P3H1 protein.

NM_022356.4(P3H1):c.2056-5T>A

Gene: P3H1 (prolyl 3-hydroxylase 1; minus strand). Cytogenetic location: 1p34.2.
Variant type: single nucleotide variant.
Coding change: c.2056-5T>A on transcript NM_022356.4 (MANE Select); 5 bases into the intron before coding-DNA position 2056, T replaced by A.
Molecular consequence: intron variant. On other transcripts: 3 prime UTR variant (1).
Genome position (GRCh38, 1-based): chr1:42,746,857, A>T on the plus strand (T>A on the coding strand, the complement: P3H1 is on the minus strand). VCF-style: chr1-42746857-A-T. GRCh37 (hg19) VCF-style: chr1-43212528-A-T.
Other names: c.*55T>A (NM_001243246.2); c.2075-5T>A (NM_001146289.2).
Identifiers: ClinVar variation 2006579 (VCV002006579.4), dbSNP rs2524395507, ClinGen allele CA2574338090.